The following is an entry in ClinVar:

ClinVar aggregate classification (germline): Uncertain significance (1 of 4 stars; one submission).

Submission:

CeGaT Center for Human Genetics Tuebingen
Classification: Uncertain significance. Last evaluated: 2026-07-01. Review status: criteria provided, single submitter. Criteria: CeGaT Center For Human Genetics Tuebingen Variant Classification Criteria Version 2. Collection method: clinical testing. Allele origin: germline. Affected: yes. Observed: 1 variant allele.
Comment: KDM4B: PM2:Supporting, PP3

NM_015015.3(KDM4B):c.90A>G (p.Lys30=)

Gene: KDM4B (lysine demethylase 4B; plus strand). Cytogenetic location: 19p13.3.
Variant type: single nucleotide variant.
Coding change: c.90A>G on transcript NM_015015.3 (MANE Select); coding-DNA position 90, A replaced by G.
Protein change: p.Lys30=; no amino-acid change (lysine 30 retained).
Molecular consequence: synonymous variant.
Genome position (GRCh38, 1-based): chr19:5,032,980, A>G. VCF-style: chr19-5032980-A-G. GRCh37 (hg19) VCF-style: chr19-5032991-A-G.
Other names: c.90A>G, p.Lys30= (NM_001370093.1, NM_001370094.1, NM_001411148.1).
Identifiers: ClinVar variation 5039823 (VCV005039823.1).
Genomic context (GRCh38, chr19:5,032,980, plus strand): 5'-CCCCAGCTGTAAAATCATGACGTTTCGCCCAACCATGGAAGAATTTAAAGACTTCAACAA[A>G]TACGTGGCCTACATAGAGTCGCAGGGAGCCCACCGGGCGGGCCTGGCCAAGGTGGGTGAC-3'
Protein context (NP_055830.1, residues 20-40): PTMEEFKDFN[Lys30=]YVAYIESQGA